The following is an entry in ClinVar:

ClinVar aggregate classification (germline): Pathogenic (1 of 4 stars; one submission).

Submission:

Labcorp Genetics (formerly Invitae), Labcorp
Classification: Pathogenic. Last evaluated: 2024-03-07. Review status: criteria provided, single submitter. Criteria: Invitae Variant Classification Sherloc (09022015). Collection method: clinical testing. Allele origin: germline.
Comment: This sequence change creates a premature translational stop signal (p.Pro142Argfs*65) in the SLC38A8 gene. It is expected to result in an absent or disrupted protein product. Loss-of-function variants in SLC38A8 are known to be pathogenic (PMID: 24290379). This variant is not present in population databases (gnomAD no frequency). This variant has not been reported in the literature in individuals affected with SLC38A8-related conditions. For these reasons, this variant has been classified as Pathogenic.

Literature cited by the submitters: PubMed 24290379.

NM_001080442.3(SLC38A8):c.421_424dup (p.Pro142fs)

Gene: SLC38A8 (solute carrier family 38 member 8; minus strand). Cytogenetic location: 16q23.3.
Variant type: Microsatellite.
Coding change: c.421_424dup on transcript NM_001080442.3 (MANE Select); coding-DNA positions 421 to 424, 4 bases duplicated (GCCC; older notation c.421_424dupGCCC).
Protein change: p.Pro142fs; shifts the reading frame from proline 142.
Molecular consequence: frameshift variant.
Genome position (GRCh38, 1-based): chr16:84,033,434-84,033,437, GGGC duplicated on the plus strand (GCCC on the coding strand, the reverse complement: SLC38A8 is on the minus strand); duplicating any 4 consecutive bases within chr16:84,033,434-84,033,444 gives the same sequence; the c. name uses the placement nearest the transcript's 3' end. VCF-style (leftmost placement, unchanged base first): chr16-84033433-G-GGGGC. GRCh37 (hg19) VCF-style: chr16-84067038-G-GGGGC.
Other names: short protein forms P142fs.
Identifiers: ClinVar variation 2798185 (VCV002798185.3), dbSNP rs2507659781, ClinGen allele CA624018644.